The following is an entry in ClinVar:

NM_005070.4(SLC4A3):c.2600A>C (p.Asp867Ala)

Gene: SLC4A3 (solute carrier family 4 member 3; plus strand). Cytogenetic location: 2q35.
Variant type: single nucleotide variant.
Coding change: c.2600A>C on transcript NM_005070.4 (MANE Select); coding-DNA position 2600, A replaced by C.
Protein change: p.Asp867Ala; replaces aspartic acid 867 with alanine.
Molecular consequence: missense variant. On other transcripts: non-coding transcript variant (1).
Genome position (GRCh38, 1-based): chr2:219,637,645, A>C. VCF-style: chr2-219637645-A-C. GRCh37 (hg19) VCF-style: chr2-220502367-A-C.
Other names: p.Asp894Ala; c.2681A>C, p.Asp894Ala (NM_001326559.2, NM_201574.3); c.2681A>C (NM_201574.2); short protein forms D867A, D894A.
Identifiers: ClinVar variation 3894667 (VCV003894667.2), dbSNP rs635311.

ClinVar aggregate classification (germline): Benign. Review status: criteria provided, multiple submitters, no conflicts (2 of 4 stars). 2 submissions from 2 submitters: Benign (2). Last evaluated 2025-04-09.

gnomAD v4.1: 1,215,942 of 1,612,314 alleles (75%); highest among the groups gnomAD compares: East Asian, 84%; 462,772 homozygotes.

Submissions (2):

Molecular Diagnostic Laboratory for Inherited Cardiovascular Disease, Montreal Heart Institute
Classification: Benign. Last evaluated: 2025-04-09. Review status: criteria provided, single submitter. Criteria: ACMG Guidelines, 2015. Collection method: clinical testing. Allele origin: germline. Affected: no.

Mayo Clinic Laboratories, Mayo Clinic
Classification: Benign. Last evaluated: 2023-01-24. Review status: criteria provided, single submitter. Criteria: ACMG Guidelines, 2015. Collection method: clinical testing. Allele origin: germline. Observed: 461 variant alleles.
Comment: BA1